The following is an entry in ClinVar:

NM_000142.5(FGFR3):c.1189C>T (p.Arg397Cys)

Gene: FGFR3 (fibroblast growth factor receptor 3; plus strand). Cytogenetic location: 4p16.3.
Variant type: single nucleotide variant.
Coding change: c.1189C>T on transcript NM_000142.5 (MANE Select); coding-DNA position 1189, C replaced by T.
Protein change: p.Arg397Cys; replaces arginine 397 with cysteine.
Molecular consequence: missense variant. On other transcripts: non-coding transcript variant (1), intron variant (1).
Genome position (GRCh38, 1-based): chr4:1,804,443, C>T. VCF-style: chr4-1804443-C-T. GRCh37 (hg19) VCF-style: chr4-1806170-C-T.
Other names: c.1195C>T, p.Arg399Cys (NM_001163213.2); c.1189C>T, p.Arg397Cys (NM_001354809.2, NM_001354810.2); c.931-381C>T (NM_022965.4); short protein forms R397C, R399C.
Identifiers: ClinVar variation 1680063 (VCV001680063.7), dbSNP rs576428377, ClinGen allele CA2810282.

ClinVar aggregate classification (germline): Uncertain significance. Review status: criteria provided, multiple submitters, no conflicts (2 of 4 stars). 2 submissions from 2 submitters: Uncertain significance (2). Last evaluated 2023-04-07.

Allele frequency attached by ClinVar (database versions not stated): gnomAD 0.00001 and 0.00002; TOPMed 0.00001; gnomAD exomes 0.00002 and 0.00003; ExAC 0.00003; 1000 Genomes Project 30x 0.00016; 1000 Genomes Project 0.00020.
gnomAD v4.1: 35 of 1,612,668 alleles (0.0022%); highest among the groups gnomAD compares: Admixed American, 0.0083%; no homozygotes.

Submissions (2):

Labcorp Genetics (formerly Invitae), Labcorp
Classification: Uncertain significance. Last evaluated: 2023-04-07. Review status: criteria provided, single submitter. Criteria: Invitae Variant Classification Sherloc (09022015). Collection method: clinical testing. Allele origin: germline.
Comment: In summary, the available evidence is currently insufficient to determine the role of this variant in disease. Therefore, it has been classified as a Variant of Uncertain Significance. Advanced modeling of protein sequence and biophysical properties (such as structural, functional, and spatial information, amino acid conservation, physicochemical variation, residue mobility, and thermodynamic stability) has been performed at Invitae for this missense variant, however the output from this modeling did not meet the statistical confidence thresholds required to predict the impact of this variant on FGFR3 protein function. ClinVar contains an entry for this variant (Variation ID: 1680063). This variant has not been reported in the literature in individuals affected with FGFR3-related conditions. This variant is present in population databases (rs576428377, gnomAD 0.01%). This sequence change replaces arginine, which is basic and polar, with cysteine, which is neutral and slightly polar, at codon 397 of the FGFR3 protein (p.Arg397Cys).

Blueprint Genetics
Classification: Uncertain significance. Last evaluated: 2021-08-30. Review status: criteria provided, single submitter. Criteria: ACMG Guidelines, 2015. Collection method: clinical testing. Allele origin: germline.